The following is an entry in ClinVar:

ClinVar aggregate classification (germline): Likely pathogenic (1 of 4 stars; one submission).

Submission:

ARUP Laboratories, Molecular Genetics and Genomics, ARUP Laboratories
Classification: Likely pathogenic. Last evaluated: 2024-04-03. Review status: criteria provided, single submitter. Criteria: ARUP Molecular Germline Variant Investigation Process 2024. Collection method: clinical testing. Allele origin: germline.
Comment: The COL2A1 c.2087G>A; p.Gly696Asp variant, to our knowledge, is not reported in the medical literature or gene specific databases. This variant is also absent from the Genome Aggregation Database (v2.1.1), indicating it is not a common polymorphism. Computational analyses predict that this variant is deleterious (REVEL: 0.979). This variant disrupts the repeating Gly-X-Y sequence motif of the collagen triple helix and is predicted to impair collagen function (Barat-Houari 2016). Based on available information, this variant is considered to be likely pathogenic. References: Barat-Houari M et al. Mutation Update for COL2A1 Gene Variants Associated with Type II Collagenopathies. Hum Mutat. 2016 Jan;37(1):7-15. PMID: 26443184.

NM_001844.5(COL2A1):c.2087G>A (p.Gly696Asp)

Gene: COL2A1 (collagen type II alpha 1 chain; minus strand). Cytogenetic location: 12q13.11.
Variant type: single nucleotide variant.
Coding change: c.2087G>A on transcript NM_001844.5 (MANE Select); coding-DNA position 2087, G replaced by A.
Protein change: p.Gly696Asp; replaces glycine 696 with aspartic acid.
Molecular consequence: missense variant.
Genome position (GRCh38, 1-based): chr12:47,983,100, C>T on the plus strand (G>A on the coding strand, the complement: COL2A1 is on the minus strand). VCF-style: chr12-47983100-C-T. GRCh37 (hg19) VCF-style: chr12-48376883-C-T.
Other names: c.1880G>A, p.Gly627Asp (NM_033150.3); short protein forms G627D, G696D.
Identifiers: ClinVar variation 3766547 (VCV003766547.1).
Genomic context (GRCh38, chr12:47,983,100, plus strand): 5'-GGACCCAGGGCAGGCCCAAGGAGGCAGCCCGCATTGGCCAACAGGATACTCACCCTGGGA[C>T]CCACGAGGCCAGGGGCTCCAGCTTCACCGGGAACACCCTGGAGAACAAAGAAAGATGTGT-3'
Protein context (NP_001835.3, residues 686-706): PGEAGAPGLV[Gly696Asp]PRGERGFPGE